The following is an entry in ClinVar:

ClinVar aggregate classification (germline): Uncertain significance (1 of 4 stars; one submission).

gnomAD v4.1: 5 of 1,614,188 alleles (0.00031%); highest among the groups gnomAD compares: Non-Finnish European, 0.00034%; no homozygotes.

Submission:

Labcorp Genetics (formerly Invitae), Labcorp
Classification: Uncertain significance. Last evaluated: 2024-11-21. Review status: criteria provided, single submitter. Criteria: Invitae Variant Classification Sherloc (09022015). Collection method: clinical testing. Allele origin: germline.
Comment: This sequence change replaces proline, which is neutral and non-polar, with leucine, which is neutral and non-polar, at codon 684 of the TNNI3K protein (p.Pro684Leu). This variant is not present in population databases (gnomAD no frequency). This variant has not been reported in the literature in individuals affected with TNNI3K-related conditions. An algorithm developed to predict the effect of missense changes on protein structure and function outputs the following: PolyPhen-2: "Probably Damaging". The leucine amino acid residue is found in multiple mammalian species, which suggests that this missense change does not adversely affect protein function. In summary, the available evidence is currently insufficient to determine the role of this variant in disease. Therefore, it has been classified as a Variant of Uncertain Significance.

NM_015978.3(TNNI3K):c.2051C>T (p.Pro684Leu)

Genes: FPGT-TNNI3K (FPGT-TNNI3K readthrough; plus strand), TNNI3K (TNNI3 interacting kinase; plus strand). Cytogenetic location: 1p31.1.
Variant type: single nucleotide variant.
Coding change: c.2051C>T on transcript NM_015978.3 (MANE Select); coding-DNA position 2051, C replaced by T.
Protein change: p.Pro684Leu; replaces proline 684 with leucine.
Molecular consequence: missense variant.
Genome position (GRCh38, 1-based): chr1:74,463,480, C>T. VCF-style: chr1-74463480-C-T. GRCh37 (hg19) VCF-style: chr1-74929164-C-T.
Other names: c.2354C>T, p.Pro785Leu (NM_001112808.3, NM_001199327.2); short protein forms P684L, P785L.
Identifiers: ClinVar variation 3608161 (VCV003608161.2).